The following is an entry in ClinVar:

NM_017654.4(SAMD9):c.3897T>G (p.Tyr1299Ter)

Gene: SAMD9 (sterile alpha motif domain containing 9; minus strand). Cytogenetic location: 7q21.2.
Variant type: single nucleotide variant.
Coding change: c.3897T>G on transcript NM_017654.4 (MANE Select); coding-DNA position 3897, T replaced by G.
Protein change: p.Tyr1299Ter; replaces tyrosine 1299 with a stop codon.
Molecular consequence: nonsense.
Genome position (GRCh38, 1-based): chr7:93,102,201, A>C on the plus strand (T>G on the coding strand, the complement: SAMD9 is on the minus strand). VCF-style: chr7-93102201-A-C. GRCh37 (hg19) VCF-style: chr7-92731514-A-C.
Other names: c.3897T>G, p.Tyr1299Ter (NM_001193307.2); short protein forms Y1299*.
Identifiers: ClinVar variation 4760607 (VCV004760607.1).

ClinVar aggregate classification (germline): Uncertain significance (1 of 4 stars; one submission).

Submission:

Labcorp Genetics (formerly Invitae), Labcorp
Classification: Uncertain significance. Last evaluated: 2025-08-03. Review status: criteria provided, single submitter. Criteria: Invitae Variant Classification Sherloc (09022015). Collection method: clinical testing. Allele origin: germline.
Comment: This sequence change creates a premature translational stop signal (p.Tyr1299*) in the SAMD9 gene. While this is not anticipated to result in nonsense mediated decay, it is expected to disrupt the last 291 amino acid(s) of the SAMD9 protein. This variant is not present in population databases (gnomAD no frequency). This variant has not been reported in the literature in individuals affected with SAMD9-related conditions. In summary, the available evidence is currently insufficient to determine the role of this variant in disease. Therefore, it has been classified as a Variant of Uncertain Significance.